The following is an entry in ClinVar:

ClinVar aggregate classification (germline): Uncertain significance. Review status: criteria provided, multiple submitters, no conflicts (2 of 4 stars). 2 submissions from 2 submitters: Uncertain significance (2). Last evaluated 2021-12-20.

Conditions:
Epileptic encephalopathy. Identifiers: MedGen C0543888, HP:0200134.

Allele frequency attached by ClinVar (database versions not stated): TOPMed below 0.00001.
gnomAD v4.1: 8 of 1,612,668 alleles (0.0005%); highest among the groups gnomAD compares: East Asian, 0.0022%; no homozygotes.

Submissions (2):

Ambry Genetics
Classification: Uncertain significance. Last evaluated: 2021-12-20. Review status: criteria provided, single submitter. Criteria: Ambry Variant Classification Scheme 2023. Collection method: clinical testing. Allele origin: germline.

Labcorp Genetics (formerly Invitae), Labcorp
Classification: Uncertain significance for Epileptic encephalopathy. Last evaluated: 2019-05-18. Review status: criteria provided, single submitter. Criteria: Invitae Variant Classification Sherloc (09022015). Collection method: clinical testing. Allele origin: germline.
Comment: This sequence change replaces arginine with cysteine at codon 2087 of the FASN protein (p.Arg2087Cys). The arginine residue is highly conserved and there is a large physicochemical difference between arginine and cysteine. In summary, the available evidence is currently insufficient to determine the role of this variant in disease. Therefore, it has been classified as a Variant of Uncertain Significance. Algorithms developed to predict the effect of missense changes on protein structure and function are either unavailable or do not agree on the potential impact of this missense change (SIFT: "Deleterious"; PolyPhen-2: "Probably Damaging"; Align-GVGD: "Class C0"). This variant has not been reported in the literature in individuals with FASN-related conditions. This variant is not present in population databases (ExAC no frequency).

NM_004104.5(FASN):c.6259C>T (p.Arg2087Cys)

Gene: FASN (fatty acid synthase; minus strand). Cytogenetic location: 17q25.3.
Variant type: single nucleotide variant.
Coding change: c.6259C>T on transcript NM_004104.5 (MANE Select); coding-DNA position 6259, C replaced by T.
Protein change: p.Arg2087Cys; replaces arginine 2087 with cysteine.
Molecular consequence: missense variant.
Genome position (GRCh38, 1-based): chr17:82,081,748, G>A on the plus strand (C>T on the coding strand, the complement: FASN is on the minus strand). VCF-style: chr17-82081748-G-A. GRCh37 (hg19) VCF-style: chr17-80039624-G-A.
Other names: short protein forms R2087C.
Identifiers: ClinVar variation 943657 (VCV000943657.10), dbSNP rs1350305870, ClinGen allele CA401601140.
Genomic context (GRCh38, chr17:82,081,748, plus strand): 5'-TCAGGACCATGTGGGGCTGGTTCAGGAAGAGGTCCAGCACCTCCAGGCAGGACGCCATGC[G>A]CTGGGGCAGCGTGCCACTGACGATCGTGTCGTTGGTGCTCATCGTCTCCACCAAAATGCC-3'
Protein context (NP_004095.4, residues 2077-2097): DTIVSGTLPQ[Arg2087Cys]MASCLEVLDL